The following is an entry in ClinVar:

ClinVar aggregate classification (germline): Likely benign. Review status: criteria provided, single submitter (1 of 4 stars). 2 submissions from 2 submitters: Likely benign (1). 1 of the submissions does not count toward it. Last evaluated 2025-12-29.

Conditions:
IFT74-related disorder. Also called: IFT74-related condition; IFT74-Related Disorders.

Allele frequency attached by ClinVar (database versions not stated): gnomAD 0.00005; gnomAD exomes 0.00008; TOPMed 0.00008; ExAC 0.00012; ESP Exome Variant Server 0.00033.
gnomAD v4.1: 138 of 1,613,248 alleles (0.0086%); highest among the groups gnomAD compares: Non-Finnish European, 0.0014%; no homozygotes.

Submissions (2):

Labcorp Genetics (formerly Invitae), Labcorp
Classification: Likely benign. Last evaluated: 2025-12-29. Review status: criteria provided, single submitter. Criteria: Invitae Variant Classification Sherloc (09022015). Collection method: clinical testing. Allele origin: germline.

PreventionGenetics, part of Exact Sciences
Classification: Likely benign for IFT74-related condition. Last evaluated: 2024-09-05. Review status: no assertion criteria provided. Collection method: clinical testing. Allele origin: germline. Not counted in ClinVar's aggregate classification.
Comment: This variant is classified as likely benign based on ACMG/AMP sequence variant interpretation guidelines (Richards et al. 2015 PMID: 25741868, with internal and published modifications).

NM_025103.4(IFT74):c.173G>A (p.Gly58Asp)

Gene: IFT74 (intraflagellar transport 74; plus strand). Cytogenetic location: 9p21.2.
Variant type: single nucleotide variant.
Coding change: c.173G>A on transcript NM_025103.4 (MANE Select); coding-DNA position 173, G replaced by A.
Protein change: p.Gly58Asp; replaces glycine 58 with aspartic acid.
Molecular consequence: missense variant.
Genome position (GRCh38, 1-based): chr9:26,978,180, G>A. VCF-style: chr9-26978180-G-A. GRCh37 (hg19) VCF-style: chr9-26978178-G-A.
Other names: c.173G>A (NM_025103.2); c.173G>A, p.Gly58Asp (NM_001099222.3, NM_001099223.3, NM_001099224.3 and 1 more transcripts); short protein forms G58D.
Identifiers: ClinVar variation 2192950 (VCV002192950.6), dbSNP rs201148958, ClinGen allele CA5014839.